The following is an entry in ClinVar:

ClinVar aggregate classification (germline): Uncertain significance. Review status: criteria provided, multiple submitters, no conflicts (2 of 4 stars). 2 submissions from 2 submitters: Uncertain significance (2). Last evaluated 2024-09-30.

Submissions (2):

Dasa
Classification: Uncertain significance. Last evaluated: 2024-09-30. Review status: criteria provided, single submitter. Criteria: DASA Assertion Criteria. Collection method: clinical testing. Allele origin: germline.
Comment: NM_052876.4(NACC1):c.1004G>A (p.Arg335Gln) is a missense variant that results in the substitution of arginine with glutamine. This variant is absent from population databases. Computational prediction algorithms are consistent with a benign effect. The currently available literature and clinical evidence are not sufficient to establish a definitive association between this variant and the reported condition. Therefore, this variant is classified as a variant of uncertain significance.

Labcorp Genetics (formerly Invitae), Labcorp
Classification: Uncertain significance. Last evaluated: 2023-05-22. Review status: criteria provided, single submitter. Criteria: Invitae Variant Classification Sherloc (09022015). Collection method: clinical testing. Allele origin: germline.
Comment: This sequence change replaces arginine, which is basic and polar, with glutamine, which is neutral and polar, at codon 335 of the NACC1 protein (p.Arg335Gln). This variant is not present in population databases (gnomAD no frequency). This variant has not been reported in the literature in individuals affected with NACC1-related conditions. Advanced modeling of protein sequence and biophysical properties (such as structural, functional, and spatial information, amino acid conservation, physicochemical variation, residue mobility, and thermodynamic stability) performed at Invitae indicates that this missense variant is not expected to disrupt NACC1 protein function. In summary, the available evidence is currently insufficient to determine the role of this variant in disease. Therefore, it has been classified as a Variant of Uncertain Significance.

NM_052876.4(NACC1):c.1004G>A (p.Arg335Gln)

Gene: NACC1 (nucleus accumbens associated 1; plus strand). Cytogenetic location: 19p13.13.
Variant type: single nucleotide variant.
Coding change: c.1004G>A on transcript NM_052876.4 (MANE Select); coding-DNA position 1004, G replaced by A.
Protein change: p.Arg335Gln; replaces arginine 335 with glutamine.
Molecular consequence: missense variant.
Genome position (GRCh38, 1-based): chr19:13,136,289, G>A. VCF-style: chr19-13136289-G-A. GRCh37 (hg19) VCF-style: chr19-13247103-G-A.
Other names: short protein forms R335Q.
Identifiers: ClinVar variation 2990653 (VCV002990653.5), dbSNP rs1568386032, ClinGen allele CA404327292.